The following is an entry in ClinVar:

ClinVar aggregate classification (germline): Uncertain significance (1 of 4 stars; one submission).

gnomAD v4.1: 21 of 1,613,950 alleles (0.0013%); highest among the groups gnomAD compares: African/African-American, 0.0067%; no homozygotes.

Submission:

CeGaT Center for Human Genetics Tuebingen
Classification: Uncertain significance. Last evaluated: 2025-03-01. Review status: criteria provided, single submitter. Criteria: CeGaT Center For Human Genetics Tuebingen Variant Classification Criteria Version 2. Collection method: clinical testing. Allele origin: germline. Affected: yes. Observed: 1 variant allele.
Comment: STAC3: PM2, PP3

NM_145064.3(STAC3):c.356G>A (p.Arg119His)

Gene: STAC3 (SH3 and cysteine rich domain 3; minus strand). Cytogenetic location: 12q13.3.
Variant type: single nucleotide variant.
Coding change: c.356G>A on transcript NM_145064.3 (MANE Select); coding-DNA position 356, G replaced by A.
Protein change: p.Arg119His; replaces arginine 119 with histidine.
Molecular consequence: missense variant. On other transcripts: intron variant (1).
Genome position (GRCh38, 1-based): chr12:57,248,782, C>T on the plus strand (G>A on the coding strand, the complement: STAC3 is on the minus strand). VCF-style: chr12-57248782-C-T. GRCh37 (hg19) VCF-style: chr12-57642565-C-T.
Other names: c.239G>A, p.Arg80His (NM_001286256.2); c.-126-584G>A (NM_001286257.2); short protein forms R119H, R80H.
Identifiers: ClinVar variation 3778127 (VCV003778127.7).